The following is an entry in ClinVar:

ClinVar aggregate classification (germline): Uncertain significance (1 of 4 stars; one submission).

Allele frequency attached by ClinVar (database versions not stated): TOPMed 0.00002.
gnomAD v4.1: 1 of 1,602,308 alleles (0.000062%); highest among the groups gnomAD compares: Non-Finnish European, 0.000085%; no homozygotes.

Submission:

Labcorp Genetics (formerly Invitae), Labcorp
Classification: Uncertain significance. Last evaluated: 2024-11-15. Review status: criteria provided, single submitter. Criteria: Invitae Variant Classification Sherloc (09022015). Collection method: clinical testing. Allele origin: germline.
Comment: This sequence change replaces leucine with arginine at codon 297 of the MAP3K20 protein (p.Leu297Arg). The leucine residue is highly conserved and there is a moderate physicochemical difference between leucine and arginine. This variant is not present in population databases (gnomAD no frequency). This variant has not been reported in the literature in individuals affected with MAP3K20-related conditions. ClinVar contains an entry for this variant (Variation ID: 1467448). Invitae Evidence Modeling of protein sequence and biophysical properties (such as structural, functional, and spatial information, amino acid conservation, physicochemical variation, residue mobility, and thermodynamic stability) indicates that this missense variant is not expected to disrupt MAP3K20 protein function with a negative predictive value of 95%. In summary, the available evidence is currently insufficient to determine the role of this variant in disease. Therefore, it has been classified as a Variant of Uncertain Significance.

NM_016653.3(MAP3K20):c.890T>G (p.Leu297Arg)

Genes: MAP3K20 (mitogen-activated protein kinase kinase kinase 20; plus strand), MAP3K20-AS1 (MAP3K20 antisense RNA 1; minus strand). Cytogenetic location: 2q31.1.
Variant type: single nucleotide variant.
Coding change: c.890T>G on transcript NM_016653.3 (MANE Select); coding-DNA position 890, T replaced by G.
Protein change: p.Leu297Arg; replaces leucine 297 with arginine.
Molecular consequence: missense variant.
Genome position (GRCh38, 1-based): chr2:173,217,153, T>G. VCF-style: chr2-173217153-T-G. GRCh37 (hg19) VCF-style: chr2-174081881-T-G.
Other names: c.890T>G, p.Leu297Arg (NM_133646.3); short protein forms L297R.
Identifiers: ClinVar variation 1467448 (VCV001467448.6), dbSNP rs541711802, ClinGen allele CA60746606.